The following is an entry in ClinVar:

ClinVar aggregate classification (germline): Uncertain significance (1 of 4 stars; one submission).

Conditions:
Long QT syndrome (LQTS). Identifiers: MedGen C0023976, MeSH D008133, MONDO:0002442. Disease mechanism: loss of function. Inheritance: Various modes of inheritance.

Allele frequency attached by ClinVar (database versions not stated): gnomAD exomes below 0.00001; gnomAD 0.00001.
gnomAD v4.1: 5 of 1,613,786 alleles (0.00031%); highest among the groups gnomAD compares: Middle Eastern, 0.016%; no homozygotes.

Submission:

Labcorp Genetics (formerly Invitae), Labcorp
Classification: Uncertain significance for Long QT syndrome. Last evaluated: 2021-08-26. Review status: criteria provided, single submitter. Criteria: Invitae Variant Classification Sherloc (09022015). Collection method: clinical testing. Allele origin: germline.
Comment: This sequence change replaces arginine with glutamine at codon 1666 of the CACNA1C protein (p.Arg1666Gln). The arginine residue is moderately conserved and there is a small physicochemical difference between arginine and glutamine. This variant is not present in population databases (ExAC no frequency). This variant has not been reported in the literature in individuals affected with CACNA1C-related conditions. Algorithms developed to predict the effect of missense changes on protein structure and function are either unavailable or do not agree on the potential impact of this missense change (SIFT: "Deleterious"; PolyPhen-2: "Possibly Damaging"; Align-GVGD: "Class C0"). In summary, the available evidence is currently insufficient to determine the role of this variant in disease. Therefore, it has been classified as a Variant of Uncertain Significance.

NM_000719.7(CACNA1C):c.4997G>A (p.Arg1666Gln)

Genes: CACNA1C (calcium voltage-gated channel subunit alpha1 C; plus strand), CACNA1C-AS1 (CACNA1C antisense RNA 1; minus strand). Cytogenetic location: 12p13.33.
Variant type: single nucleotide variant.
Coding change: c.4997G>A on transcript NM_000719.7 (MANE Select); coding-DNA position 4997, G replaced by A.
Protein change: p.Arg1666Gln; replaces arginine 1666 with glutamine.
Molecular consequence: missense variant. On other transcripts: non-coding transcript variant (1).
Genome position (GRCh38, 1-based): chr12:2,677,773, G>A. VCF-style: chr12-2677773-G-A. GRCh37 (hg19) VCF-style: chr12-2786939-G-A.
Other names: c.5141G>A, p.Arg1714Gln (NM_001129827.2, NM_199460.4); c.5120G>A, p.Arg1707Gln (NM_001129829.2); c.4997G>A, p.Arg1666Gln (NM_001129830.3, NM_001129840.2, NM_001129841.2 and 4 more transcripts); c.5081G>A, p.Arg1694Gln (NM_001129831.2); c.5057G>A, p.Arg1686Gln (NM_001129832.2); c.5054G>A, p.Arg1685Gln (NM_001129833.2, NM_001129834.2, NM_001129835.2); c.5048G>A, p.Arg1683Gln (NM_001129836.2); c.5021G>A, p.Arg1674Gln (NM_001129837.2, NM_001129838.2); and 3 more; short protein forms R1655Q, R1663Q, R1666Q, R1672Q, R1674Q, R1683Q, R1685Q, R1686Q.
Identifiers: ClinVar variation 1003767 (VCV001003767.6), dbSNP rs2096898935, ClinGen allele CA383378265.